The following is an entry in ClinVar:

NM_000179.3(MSH6):c.1994_2020del (p.Glu665_Pro673del)

Gene: MSH6 (mutS homolog 6; plus strand). Cytogenetic location: 2p16.3.
Variant type: Deletion.
Coding change: c.1994_2020del on transcript NM_000179.3 (MANE Select); coding-DNA positions 1994 to 2020, 27 bases deleted (AGTCTGATTCCATTGGGTTGACACCAG).
Protein change: p.Glu665_Pro673del.
Molecular consequence: inframe deletion. On other transcripts: inframe indel (1), non-coding transcript variant (5), intron variant (2).
Genome position (GRCh38, 1-based): chr2:47,799,977-47,800,003, AGTCTGATTCCATTGGGTTGACACCAG deleted; deleting any 27 consecutive bases within chr2:47,799,974-47,800,003 gives the same sequence; the c. name uses the placement nearest the transcript's 3' end. VCF-style (leftmost placement, unchanged base first): chr2-47799973-TCAGAGTCTGATTCCATTGGGTTGACAC-T. GRCh37 (hg19) VCF-style: chr2-48027112-TCAGAGTCTGATTCCATTGGGTTGACAC-T.
Other names: c.1994_2020del27, p.Glu665_Pro673del (NM_000179.2); c.1604_1630del, p.Glu535_Pro543del (NM_001281492.2); c.1088_1114del, p.Glu363_Pro371del (NM_001281493.2, NM_001281494.2, NM_001406811.1 and 6 more transcripts); c.2090_2116del, p.Glu697_Pro705del (NM_001406795.1, NM_001406802.1); c.1994_2020del, p.Glu665_Pro673del (NM_001406796.1, NM_001406798.1, NM_001406800.1 and 3 more transcripts); c.1697_1723del, p.Glu566_Pro574del (NM_001406797.1, NM_001406801.1, NM_001406805.1 and 10 more transcripts); c.1469_1495del, p.Glu490_Pro498del (NM_001406799.1, NM_001406806.1, NM_001406807.1); c.1916_1942del, p.Glu639_Pro647del (NM_001406804.1); and 4 more.
Identifiers: ClinVar variation 3367233 (VCV003367233.3).
Genomic context (GRCh38, chr2:47,799,973, plus strand): 5'-AGGGAAAAGCTAAGTGATGGCATTGGGGTGATGTTACCCCAGGTGCTTAAAGGTATGACT[TCAGAGTCTGATTCCATTGGGTTGACAC>T]CAGGAGAGAAAAGTGAATTGGCCCTCTCTGCTCTAGGTGGTTGTGTCTTCTACCTCAAAA-3'

ClinVar aggregate classification (germline): Uncertain significance. Review status: criteria provided, multiple submitters, no conflicts (2 of 4 stars). 2 submissions from 2 submitters: Uncertain significance (2). Last evaluated 2024-02-26.

Conditions:
Hereditary nonpolyposis colorectal neoplasms. Identifiers: MedGen C0009405, MeSH D003123.

Submissions (2):

Labcorp Genetics (formerly Invitae), Labcorp
Classification: Uncertain significance for Hereditary nonpolyposis colorectal neoplasms. Last evaluated: 2024-02-26. Review status: criteria provided, single submitter. Criteria: Invitae Variant Classification Sherloc (09022015). Collection method: clinical testing. Allele origin: germline.
Comment: This variant, c.1994_2020del, results in the deletion of 9 amino acid(s) of the MSH6 protein (p.Glu665_Pro673del), but otherwise preserves the integrity of the reading frame. This variant is not present in population databases (gnomAD no frequency). This variant has not been reported in the literature in individuals affected with MSH6-related conditions. Experimental studies and prediction algorithms are not available or were not evaluated, and the functional significance of this variant is currently unknown. In summary, the available evidence is currently insufficient to determine the role of this variant in disease. Therefore, it has been classified as a Variant of Uncertain Significance.

GeneDx
Classification: Uncertain significance. Last evaluated: 2023-12-29. Review status: criteria provided, single submitter. Criteria: GeneDx Variant Classification Process June 2021. Collection method: clinical testing. Allele origin: germline. Affected: yes.
Comment: Not observed at significant frequency in large population cohorts (gnomAD); In-frame deletion of 9 amino acids in a non-repeat region; Has not been previously published as pathogenic or benign to our knowledge; This variant is associated with the following publications: (PMID: 17531815, 21120944)